The following is an entry in ClinVar:

ClinVar aggregate classification (germline): Pathogenic (1 of 4 stars; one submission).

Submission:

GeneDx
Classification: Pathogenic. Last evaluated: 2024-07-29. Review status: criteria provided, single submitter. Criteria: GeneDx Variant Classification Process June 2021. Collection method: clinical testing. Allele origin: germline.
Comment: Frameshift variant predicted to result in protein truncation or nonsense mediated decay in a gene for which loss of function is a known mechanism of disease; Not observed at significant frequency in large population cohorts (gnomAD); Has not been previously published as pathogenic or benign to our knowledge

NM_001077350.3(NPRL3):c.344del (p.Lys115fs)

Genes: HBA-LCR (alpha-globin locus control region; plus strand), NPRL3 (NPR3 like, GATOR1 complex subunit; minus strand). Cytogenetic location: 16p13.3.
Variant type: Deletion.
Coding change: c.344del on transcript NM_001077350.3 (MANE Select); coding-DNA position 344, one base deleted (A; older notation c.344delA).
Protein change: p.Lys115fs; shifts the reading frame from lysine 115.
Molecular consequence: frameshift variant. On other transcripts: intron variant (3).
Genome position (GRCh38, 1-based): chr16:117,350, T deleted on the plus strand (A on the coding strand, the reverse complement: NPRL3 is on the minus strand); the first of 2 consecutive T bases (chr16:117,350-117,351); deleting either gives the same sequence. VCF-style (leftmost placement, unchanged base first): chr16-117349-CT-C. GRCh37 (hg19) VCF-style: chr16-167348-CT-C.
Other names: c.110del, p.Lys37fs (NM_001243247.2); c.318+1776del (NM_001243248.2, NM_001243249.2); c.-144-4575del (NM_001039476.3); short protein forms K115fs, K37fs.
Identifiers: ClinVar variation 2499971 (VCV002499971.2), dbSNP rs2542865493, ClinGen allele CA2580090555.